The following is an entry in ClinVar:

ClinVar aggregate classification (germline): Likely benign (1 of 4 stars; one submission).

gnomAD v4.1: 99 of 1,586,884 alleles (0.0062%); highest among the groups gnomAD compares: Non-Finnish European, 0.0081%; no homozygotes.

Submission:

CeGaT Center for Human Genetics Tuebingen
Classification: Likely benign. Last evaluated: 2024-12-01. Review status: criteria provided, single submitter. Criteria: CeGaT Center For Human Genetics Tuebingen Variant Classification Criteria Version 2. Collection method: clinical testing. Allele origin: germline. Affected: yes. Observed: 1 variant allele.
Comment: SMPD4: BP4, BP7

NM_017951.5(SMPD4):c.654T>A (p.Pro218=)

Gene: SMPD4 (sphingomyelin phosphodiesterase 4; minus strand). Cytogenetic location: 2q21.1.
Variant type: single nucleotide variant.
Coding change: c.654T>A on transcript NM_017951.5 (MANE Select); coding-DNA position 654, T replaced by A.
Protein change: p.Pro218=; no amino-acid change (proline 218 retained).
Molecular consequence: synonymous variant. On other transcripts: non-coding transcript variant (2).
Genome position (GRCh38, 1-based): chr2:130,172,354, A>T on the plus strand (T>A on the coding strand, the complement: SMPD4 is on the minus strand). VCF-style: chr2-130172354-A-T. GRCh37 (hg19) VCF-style: chr2-130929927-A-T.
Other names: c.552T>A, p.Pro184= (NM_001171083.2); c.771T>A, p.Pro257= (NM_017751.4).
Identifiers: ClinVar variation 3771553 (VCV003771553.13).